The following is an entry in ClinVar:

ClinVar aggregate classification (germline): Uncertain significance. Review status: criteria provided, multiple submitters, no conflicts (2 of 4 stars). 3 submissions from 3 submitters: Uncertain significance (3). Last evaluated 2025-02-01.

Conditions:
Inborn genetic diseases. Identifiers: MedGen C0950123, MeSH D030342.

gnomAD v4.1: 29 of 1,447,468 alleles (0.002%); highest among the groups gnomAD compares: Admixed American, 0.016%; no homozygotes.

Submissions (3):

CeGaT Center for Human Genetics Tuebingen
Classification: Uncertain significance. Last evaluated: 2025-02-01. Review status: criteria provided, single submitter. Criteria: CeGaT Center For Human Genetics Tuebingen Variant Classification Criteria Version 2. Collection method: clinical testing. Allele origin: germline. Affected: yes. Observed: 1 variant allele.
Comment: MRPS34: PM2

Ambry Genetics
Classification: Uncertain significance for Inborn genetic diseases. Last evaluated: 2024-06-17. Review status: criteria provided, single submitter. Criteria: Ambry Variant Classification Scheme 2023. Collection method: clinical testing. Allele origin: germline.

Labcorp Genetics (formerly Invitae), Labcorp
Classification: Uncertain significance. Last evaluated: 2022-07-17. Review status: criteria provided, single submitter. Criteria: Invitae Variant Classification Sherloc (09022015). Collection method: clinical testing. Allele origin: germline.
Comment: This sequence change replaces tryptophan, which is neutral and slightly polar, with serine, which is neutral and polar, at codon 87 of the MRPS34 protein (p.Trp87Ser). This variant is not present in population databases (gnomAD no frequency). This variant has not been reported in the literature in individuals affected with MRPS34-related conditions. Algorithms developed to predict the effect of missense changes on protein structure and function are either unavailable or do not agree on the potential impact of this missense change (SIFT: "Tolerated"; PolyPhen-2: "Possibly Damaging"; Align-GVGD: "Class C0"). In summary, the available evidence is currently insufficient to determine the role of this variant in disease. Therefore, it has been classified as a Variant of Uncertain Significance.

NM_023936.2(MRPS34):c.260G>C (p.Trp87Ser)

Genes: EME2 (essential meiotic structure-specific endonuclease subunit 2; plus strand), MRPS34 (mitochondrial ribosomal protein S34; minus strand), LOC130058183 (ATAC-STARR-seq lymphoblastoid silent region 7002; plus strand). Cytogenetic location: 16p13.3.
Variant type: single nucleotide variant.
Coding change: c.260G>C on transcript NM_023936.2 (MANE Select); coding-DNA position 260, G replaced by C.
Protein change: p.Trp87Ser; replaces tryptophan 87 with serine.
Molecular consequence: missense variant. On other transcripts: 5 prime UTR variant (1).
Genome position (GRCh38, 1-based): chr16:1,772,860, C>G on the plus strand (G>C on the coding strand, the complement: MRPS34 is on the minus strand). VCF-style: chr16-1772860-C-G. GRCh37 (hg19) VCF-style: chr16-1822861-C-G.
Other names: c.-368C>G (NM_001257370.2); c.260G>C, p.Trp87Ser (NM_001300900.2); short protein forms W87S.
Identifiers: ClinVar variation 1909010 (VCV001909010.10), dbSNP rs947756957, ClinGen allele CA276723966.